The following is an entry in ClinVar:

NM_001130682.3(GUCY1A1):c.345A>T (p.Glu115Asp)

Gene: GUCY1A1 (guanylate cyclase 1 soluble subunit alpha 1; plus strand). Cytogenetic location: 4q32.1.
Variant type: single nucleotide variant.
Coding change: c.345A>T on transcript NM_001130682.3 (MANE Select); coding-DNA position 345, A replaced by T.
Protein change: p.Glu115Asp; replaces glutamic acid 115 with aspartic acid.
Molecular consequence: missense variant. On other transcripts: 5 prime UTR variant (2).
Genome position (GRCh38, 1-based): chr4:155,708,263, A>T. VCF-style: chr4-155708263-A-T. GRCh37 (hg19) VCF-style: chr4-156629415-A-T.
Other names: c.345A>T, p.Glu115Asp (NM_000856.6, NM_001130683.4, NM_001130684.3 and 13 more transcripts); c.-361A>T (NM_001130685.3, NM_001440518.1); short protein forms E115D.
Identifiers: ClinVar variation 4984411 (VCV004984411.1).

ClinVar aggregate classification (germline): Likely benign (1 of 4 stars; one submission).

Conditions:
GUCY1A1-related disorder. Also called: GUCY1A1-related condition.

gnomAD v4.1: 378 of 1,555,990 alleles (0.024%); highest among the groups gnomAD compares: South Asian, 0.28%; 7 homozygotes.

Submission:

PreventionGenetics, part of Exact Sciences
Classification: Likely benign for GUCY1A1-related condition. Last evaluated: 2026-02-22. Review status: criteria provided, single submitter. Criteria: ACMG Guidelines, 2015. Collection method: clinical testing. Allele origin: germline.
Comment: This variant is classified as likely benign based on ACMG/AMP sequence variant interpretation guidelines (Richards et al. 2015 PMID: 25741868, with internal and published modifications).